The following is an entry in ClinVar:

NM_174936.4(PCSK9):c.-287G>A

Gene: PCSK9 (proprotein convertase subtilisin/kexin type 9; plus strand). Cytogenetic location: 1p32.3.
Variant type: single nucleotide variant.
Coding change: c.-287G>A on transcript NM_174936.4 (MANE Select); 287 bases upstream of the start codon, G replaced by A.
Molecular consequence: 5 prime UTR variant.
Genome position (GRCh38, 1-based): chr1:55,039,551, G>A. VCF-style: chr1-55039551-G-A. GRCh37 (hg19) VCF-style: chr1-55505224-G-A.
Identifiers: ClinVar variation 265911 (VCV000265911.19), dbSNP rs72658888, ClinGen allele CA10588854.
Genomic context (GRCh38, chr1:55,039,551, plus strand): 5'-GGTGGCGTGATCTGCGCGCCCCAGGCGTCAAGCACCCACACCCTAGAAGGTTTCCGCAGC[G>A]ACGTCGAGGCGCTCATGGTTGCAGGCGGGCGCCGCCGTTCAGTTCAGGGTCTGAGCCTGG-3'

ClinVar aggregate classification (germline): Benign/Likely benign. Review status: criteria provided, multiple submitters, no conflicts (2 of 4 stars). 5 submissions from 4 submitters: Benign (3); Likely benign (2). Last evaluated 2026-09-01.

Conditions:
Hypobetalipoproteinemia. Identifiers: Orphanet 31154, MedGen C0020597, MONDO:0017774.
Familial hypercholesterolemia. Also called: Familial hypercholesterolaemia; Familial hypercholesterolemias. Identifiers: MedGen C0020445, MONDO:0005439.
Hypercholesterolemia, familial, 1. Also called: LDL RECEPTOR DISORDER; Hyperlipoproteinemia Type IIa; HYPER-LOW-DENSITY-LIPOPROTEINEMIA; HYPERCHOLESTEROLEMIC XANTHOMATOSIS, FAMILIAL; Fredrickson type IIa hyperlipoproteinemia; Hyperlipoproteinemia type 2. Identifiers: Orphanet 391665, MedGen C0745103, MONDO:0007750, OMIM 143890.
Hypercholesterolemia, autosomal dominant, 3 (FHCL3). Also called: Familial hypercholesterolemia 3; Familial Hypercholesterolemia, Autosomal Dominant, 3; PCSK9-Related Familial Hypercholesterolemia, Autosomal Dominant. Identifiers: MedGen C1863551, MONDO:0011369, OMIM 603776.

Allele frequency attached by ClinVar (database versions not stated): 1000 Genomes Project 0.00519; 1000 Genomes Project 30x 0.00562; TOPMed 0.00859; gnomAD 0.00941 and 0.00947.
gnomAD v4.1: 5,348 of 546,320 alleles (0.98%); highest among the groups gnomAD compares: Admixed American, 2.2%; 65 homozygotes.

Submissions (5):

CeGaT Center for Human Genetics Tuebingen
Classification: Benign. Last evaluated: 2026-09-01. Review status: criteria provided, single submitter. Criteria: CeGaT Center For Human Genetics Tuebingen Variant Classification Criteria Version 2. Collection method: clinical testing. Allele origin: germline. Affected: yes. Observed: 35 variant alleles.
Comment: PCSK9: BS1, BS2

GENinCode PLC
Classification: Benign for Familial hypercholesterolemia. Last evaluated: 2024-01-19. Review status: criteria provided, single submitter. Criteria: ACMG Guidelines, 2015. Collection method: clinical testing. Allele origin: germline.
Comment: The PCSK9 c.-287G>A variant has a GrpMax filtering allele frequency in gnomAD v4.1.1 of 0.02060 in the Admixed American genetic ancestry group. This is higher than our in-house threshold (0.005 for BA1) and therefore meets this criterion and is classified as Benign.

Illumina Laboratory Services, Illumina
Classification: Likely benign for Hypobetalipoproteinemia. Last evaluated: 2018-01-12. Review status: criteria provided, single submitter. Criteria: ICSL Variant Classification Criteria 13 December 2019. Collection method: clinical testing. Allele origin: germline.
Comment: This variant was observed in the ICSL laboratory as part of a predisposition screen in an ostensibly healthy population. It had not been previously curated by ICSL or reported in the Human Gene Mutation Database (HGMD: prior to June 1st, 2018), and was therefore a candidate for classification through an automated scoring system. Utilizing variant allele frequency, disease prevalence and penetrance estimates, and inheritance mode, an automated score was calculated to assess if this variant is too frequent to cause the disease. Based on the score and internal cut-off values, a variant classified as likely benign is not then subjected to further curation. The score for this variant resulted in a classification of likely benign for this disease.

Illumina Laboratory Services, Illumina
Classification: Likely benign for Hypercholesterolemia, autosomal dominant, 3. Last evaluated: 2018-01-12. Review status: criteria provided, single submitter. Criteria: ICSL Variant Classification Criteria 13 December 2019. Collection method: clinical testing. Allele origin: germline.
Comment: the same text as in the submission from Illumina Laboratory Services, Illumina above.

Cardiovascular Research Group, Instituto Nacional de Saude Doutor Ricardo Jorge
Classification: Benign for Familial hypercholesterolemia. Last evaluated: 2016-03-01. Review status: criteria provided, single submitter. Criteria: ACMG Guidelines, 2015. Collection method: research. Allele origin: germline. Affected: yes.
Comment: 3/450 normocholesterolemic subjects

Literature cited by the submitters: PubMed 18559913 (cited by GENinCode PLC and Cardiovascular Research Group, Instituto Nacional de Saude Doutor Ricardo Jorge); PubMed 19797716 (cited by GENinCode PLC).